The following is an entry in ClinVar:

ClinVar aggregate classification (germline): Uncertain significance (1 of 4 stars; one submission).

Conditions:
Spermatogenic failure 18. Identifiers: MedGen C4539783, MONDO:0054615, OMIM 617576.
Ciliary dyskinesia, primary, 37 (CILD37). Also called: CILIARY DYSKINESIA, PRIMARY, 37, WITH OR WITHOUT SITUS INVERSUS. Identifiers: MedGen C4539798, MONDO:0033204, OMIM 617577.

Allele frequency attached by ClinVar (database versions not stated): gnomAD exomes below 0.00001 and 0.00001; ExAC 0.00001; TOPMed 0.00002; gnomAD 0.00003.

Submission:

Labcorp Genetics (formerly Invitae), Labcorp
Classification: Uncertain significance for Ciliary dyskinesia, primary, 37; Spermatogenic failure 18. Last evaluated: 2021-07-17. Review status: criteria provided, single submitter. Criteria: Invitae Variant Classification Sherloc (09022015). Collection method: clinical testing. Allele origin: germline.
Comment: In summary, the available evidence is currently insufficient to determine the role of this variant in disease. Therefore, it has been classified as a Variant of Uncertain Significance. Algorithms developed to predict the effect of missense changes on protein structure and function output the following: SIFT: "Tolerated"; PolyPhen-2: "Benign"; Align-GVGD: "Class C0". The lysine amino acid residue is found in multiple mammalian species, which suggests that this missense change does not adversely affect protein function. This variant has not been reported in the literature in individuals affected with DNAH1-related conditions. This variant is present in population databases (rs758909731, ExAC 0.01%). This sequence change replaces glutamic acid with lysine at codon 324 of the DNAH1 protein (p.Glu324Lys). The glutamic acid residue is weakly conserved and there is a small physicochemical difference between glutamic acid and lysine.

NM_015512.5(DNAH1):c.970G>A (p.Glu324Lys)

Gene: DNAH1 (dynein axonemal heavy chain 1; plus strand). Cytogenetic location: 3p21.1.
Variant type: single nucleotide variant.
Coding change: c.970G>A on transcript NM_015512.5 (MANE Select); coding-DNA position 970, G replaced by A.
Protein change: p.Glu324Lys; replaces glutamic acid 324 with lysine.
Molecular consequence: missense variant.
Genome position (GRCh38, 1-based): chr3:52,331,246, G>A. VCF-style: chr3-52331246-G-A. GRCh37 (hg19) VCF-style: chr3-52365262-G-A.
Other names: short protein forms E324K.
Identifiers: ClinVar variation 1429948 (VCV001429948.8), dbSNP rs758909731, ClinGen allele CA2432830.
Genomic context (GRCh38, chr3:52,331,246, plus strand): 5'-GAGGTCGGCGTCCTGGACTACGACGAGGAGAAGAAGCTATACCTGGTACACAAGACAGAC[G>A]AGAAAGGCCTGGTGCGAGATGAGATGGGGAGGCCCATCCTGAATGCAGGGGTCACCACTG-3'
Protein context (NP_056327.4, residues 314-334): KKLYLVHKTD[Glu324Lys]KGLVRDEMGR